The following is an entry in ClinVar:

NM_000092.5(COL4A4):c.1669G>T (p.Gly557Cys)

Gene: COL4A4 (collagen type IV alpha 4 chain; minus strand). Cytogenetic location: 2q36.3.
Variant type: single nucleotide variant.
Coding change: c.1669G>T on transcript NM_000092.5 (MANE Select); coding-DNA position 1669, G replaced by T.
Protein change: p.Gly557Cys; replaces glycine 557 with cysteine.
Molecular consequence: missense variant.
Genome position (GRCh38, 1-based): chr2:227,082,142, C>A on the plus strand (G>T on the coding strand, the complement: COL4A4 is on the minus strand). VCF-style: chr2-227082142-C-A. GRCh37 (hg19) VCF-style: chr2-227946858-C-A.
Other names: p.(Gly557Cys); short protein forms G557C.
Identifiers: ClinVar variation 4884689 (VCV004884689.1).
Genomic context (GRCh38, chr2:227,082,142, plus strand): 5'-ATGGCAGGGAGTTAAGTGATTGATTATGCTCACCTTTAACTCTTGATACAACCATGTCAC[C>A]CTTCGCCCCTTTGTTGCCAGGTGGTCCAGAGGCACCATGCTTTCCCTTGGTGAAAAATAA-3'
Protein context (NP_000083.3, residues 547-567): SGPPGNKGAK[Gly557Cys]DMVVSRVKGH

ClinVar aggregate classification (germline): Likely pathogenic (1 of 4 stars; one submission).

Conditions:
Autosomal dominant Alport syndrome (ATS3A). Also called: Alport syndrome dominant type; Renal failure and sensorineural hearing loss; ALPORT SYNDROME 3A, AUTOSOMAL DOMINANT. Identifiers: Orphanet 63, Orphanet 88918, MedGen C5882663, MONDO:0007086, OMIM 104200.

Submission:

Centre de Génétique Humaine, Institut de Pathologie Et de Génétique
Classification: Likely pathogenic for Autosomal dominant Alport syndrome. Last evaluated: 2026-04-30. Review status: criteria provided, single submitter. Criteria: ACMG Guidelines, 2015. Collection method: clinical testing. Allele origin: maternal, germline. Inheritance: Autosomal dominant inheritance. Affected: yes. Observed: 2 variant alleles, 2 heterozygotes. Clinical features observed: Microscopic hematuria (HP:0002907), Severe albuminuria (HP:0033066), Stage 3 chronic kidney disease (HP:0012625), Hypertensive disorder (HP:0000822). Segregation with disease observed.
Comment: This missense variant involves a highly conserved glycine located in a ‘Gly-X-Y’ motif in a non-collagenous/ collagenous boundary region (PM1,PP2). This variant is rare: absent in gnomAD v4.1.0 database (PM2). In silico analysis supports that this missense variant has a deleterious effect (PP3). Described as LP in a patient with AD AS (PP5)

Literature cited by the submitters: PubMed 39810285.